The following is an entry in ClinVar:

NM_198578.4(LRRK2):c.7060A>G (p.Ile2354Val)

Gene: LRRK2 (leucine rich repeat kinase 2; plus strand). Cytogenetic location: 12q12.
Variant type: single nucleotide variant.
Coding change: c.7060A>G on transcript NM_198578.4 (MANE Select); coding-DNA position 7060, A replaced by G.
Protein change: p.Ile2354Val; replaces isoleucine 2354 with valine.
Molecular consequence: missense variant.
Genome position (GRCh38, 1-based): chr12:40,363,433, A>G. VCF-style: chr12-40363433-A-G. GRCh37 (hg19) VCF-style: chr12-40757235-A-G.
Other names: short protein forms I2354V.
Identifiers: ClinVar variation 3291938 (VCV003291938.1).

ClinVar aggregate classification (germline): Uncertain significance (1 of 4 stars; one submission).

Conditions:
Inborn genetic diseases. Identifiers: MedGen C0950123, MeSH D030342.

gnomAD v4.1: 1 of 1,611,818 alleles (0.000062%); highest among the groups gnomAD compares: Admixed American, 0.0017%; no homozygotes.

Submission:

Ambry Genetics
Classification: Uncertain significance for Inborn genetic diseases. Last evaluated: 2024-03-28. Review status: criteria provided, single submitter. Criteria: Ambry Variant Classification Scheme 2023. Collection method: clinical testing. Allele origin: germline.
Comment: The p.I2354V variant (also known as c.7060A>G), located in coding exon 48 of the LRRK2 gene, results from an A to G substitution at nucleotide position 7060. The isoleucine at codon 2354 is replaced by valine, an amino acid with highly similar properties. This amino acid position is conserved. In addition, this alteration is predicted to be tolerated by in silico analysis. Based on the available evidence, the clinical significance of this alteration remains unclear.